The following is an entry in ClinVar:

NM_001370259.2(MEN1):c.1029C>G (p.Asp343Glu)

Gene: MEN1 (menin 1; minus strand). Cytogenetic location: 11q13.1.
Variant type: single nucleotide variant.
Coding change: c.1029C>G on transcript NM_001370259.2 (MANE Select); coding-DNA position 1029, C replaced by G.
Protein change: p.Asp343Glu; replaces aspartic acid 343 with glutamic acid.
Molecular consequence: missense variant.
Genome position (GRCh38, 1-based): chr11:64,806,252, G>C on the plus strand (C>G on the coding strand, the complement: MEN1 is on the minus strand). VCF-style: chr11-64806252-G-C. GRCh37 (hg19) VCF-style: chr11-64573724-G-C.
Other names: c.1044C>G, p.Asp348Glu (NM_000244.4, NM_130800.3, NM_130801.3 and 3 more transcripts); c.1029C>G, p.Asp343Glu (NM_001370251.2, NM_001370260.2, NM_001370261.2 and 1 more transcripts); c.924C>G, p.Asp308Glu (NM_001370262.2, NM_001370263.2); short protein forms D343E, D348E, D308E.
Identifiers: ClinVar variation 241796 (VCV000241796.10), dbSNP rs878855185, ClinGen allele CA10582934.

ClinVar aggregate classification (germline): Uncertain significance (1 of 4 stars; one submission).

Conditions:
Multiple endocrine neoplasia, type 1 (MEN1). Also called: MEN I; WERMER SYNDROME; Endocrine adenomatosis multiple; MEN 1; MEA I. Identifiers: Orphanet 652, MedGen C0025267, MeSH D018761, MONDO:0007540, OMIM 131100.

Submission:

Labcorp Genetics (formerly Invitae), Labcorp
Classification: Uncertain significance for Multiple endocrine neoplasia, type 1. Last evaluated: 2023-03-27. Review status: criteria provided, single submitter. Criteria: Invitae Variant Classification Sherloc (09022015). Collection method: clinical testing. Allele origin: germline.
Comment: Advanced modeling of protein sequence and biophysical properties (such as structural, functional, and spatial information, amino acid conservation, physicochemical variation, residue mobility, and thermodynamic stability) performed at Invitae indicates that this missense variant is not expected to disrupt MEN1 protein function. In summary, the available evidence is currently insufficient to determine the role of this variant in disease. Therefore, it has been classified as a Variant of Uncertain Significance. ClinVar contains an entry for this variant (Variation ID: 241796). This sequence change replaces aspartic acid, which is acidic and polar, with glutamic acid, which is acidic and polar, at codon 343 of the MEN1 protein (p.Asp343Glu). This variant is not present in population databases (gnomAD no frequency). This variant has not been reported in the literature in individuals affected with MEN1-related conditions.